The following is an entry in ClinVar:

ClinVar aggregate classification (germline): Pathogenic (1 of 4 stars; one submission).

Submission:

Labcorp Genetics (formerly Invitae), Labcorp
Classification: Pathogenic. Last evaluated: 2025-06-23. Review status: criteria provided, single submitter. Criteria: Invitae Variant Classification Sherloc (09022015). Collection method: clinical testing. Allele origin: germline.
Comment: This sequence change creates a premature translational stop signal (p.Asn304Serfs*6) in the MAK gene. It is expected to result in an absent or disrupted protein product. Loss-of-function variants in MAK are known to be pathogenic (PMID: 21148103, 21825139, 24938718, 29781741). This variant is not present in population databases (gnomAD no frequency). This variant has not been reported in the literature in individuals affected with MAK-related conditions. ClinVar contains an entry for this variant (Variation ID: 1379920). For these reasons, this variant has been classified as Pathogenic.

Literature cited by the submitters: PubMed 21148103; PubMed 21825139; PubMed 24938718; PubMed 29781741.

NM_001242957.3(MAK):c.911_914del (p.Asn304fs)

Gene: MAK (male germ cell associated kinase; minus strand). Cytogenetic location: 6p24.2.
Variant type: Deletion.
Coding change: c.911_914del on transcript NM_001242957.3 (MANE Select); coding-DNA positions 911 to 914, 4 bases deleted (ATAA; older notation c.911_914delATAA).
Protein change: p.Asn304fs; shifts the reading frame from asparagine 304.
Molecular consequence: frameshift variant. On other transcripts: non-coding transcript variant (2).
Genome position (GRCh38, 1-based): chr6:10,796,227-10,796,230, TTAT deleted on the plus strand (ATAA on the coding strand, the reverse complement: MAK is on the minus strand); deleting any 4 consecutive bases within chr6:10,796,227-10,796,233 gives the same sequence; the c. name uses the placement nearest the transcript's 3' end. VCF-style (leftmost placement, unchanged base first): chr6-10796226-CTTAT-C. GRCh37 (hg19) VCF-style: chr6-10796459-CTTAT-C.
Other names: c.911_914del, p.Asn304fs (NM_001242385.2, NM_005906.6); c.809_812del, p.Asn270fs (NM_001377262.1); short protein forms N304fs, N270fs.
Identifiers: ClinVar variation 1379920 (VCV001379920.6), dbSNP rs1775546363, ClinGen allele CA1610131938.